The following is an entry in ClinVar:

NM_182961.4(SYNE1):c.8914T>A (p.Phe2972Ile)

Genes: SYNE1 (spectrin repeat containing nuclear envelope protein 1; minus strand), SYNE1-AS1 (SYNE1 antisense RNA 1; plus strand). Cytogenetic location: 6q25.2.
Variant type: single nucleotide variant.
Coding change: c.8914T>A on transcript NM_182961.4 (MANE Select); coding-DNA position 8914, T replaced by A.
Protein change: p.Phe2972Ile; replaces phenylalanine 2972 with isoleucine.
Molecular consequence: missense variant. On other transcripts: non-coding transcript variant (1).
Genome position (GRCh38, 1-based): chr6:152,381,101, A>T on the plus strand (T>A on the coding strand, the complement: SYNE1 is on the minus strand). VCF-style: chr6-152381101-A-T. GRCh37 (hg19) VCF-style: chr6-152702236-A-T.
Other names: c.8935T>A, p.Phe2979Ile (NM_033071.5); short protein forms F2972I, F2979I.
Identifiers: ClinVar variation 1904168 (VCV001904168.8), dbSNP rs1179794199, ClinGen allele CA366143952.

ClinVar aggregate classification (germline): Uncertain significance. Review status: criteria provided, multiple submitters, no conflicts (2 of 4 stars). 2 submissions from 2 submitters: Uncertain significance (2). Last evaluated 2022-06-07.

Conditions:
Emery-Dreifuss muscular dystrophy 4, autosomal dominant (EDMD4). Also called: EMERY-DREIFUSS MUSCULAR DYSTROPHY 4 WITH VARIABLE FEATURES. Identifiers: Orphanet 261, MedGen C2751807, MONDO:0013071, OMIM 612998.
Autosomal recessive ataxia, Beauce type. Also called: SYNE1-Related Autosomal Recessive Cerebellar Ataxia; SYNE1 Deficiency; Spinocerebellar ataxia, autosomal recessive 8; ATAXIA, RECESSIVE, OF BEAUCE. Identifiers: Orphanet 88644, MedGen C1853116, MONDO:0012549, OMIM 610743.

Allele frequency attached by ClinVar (database versions not stated): gnomAD 0.00001; TOPMed 0.00001.
gnomAD v4.1: 1 of 1,614,018 alleles (0.000062%); highest among the groups gnomAD compares: Admixed American, 0.0017%; no homozygotes.

Submissions (2):

Revvity Omics, Revvity
Classification: Uncertain significance. Last evaluated: 2022-06-07. Review status: criteria provided, single submitter. Criteria: ACMG Guidelines, 2015. Collection method: clinical testing. Allele origin: germline.

Labcorp Genetics (formerly Invitae), Labcorp
Classification: Uncertain significance for Emery-Dreifuss muscular dystrophy 4, autosomal dominant; Autosomal recessive ataxia, Beauce type. Last evaluated: 2022-05-29. Review status: criteria provided, single submitter. Criteria: Invitae Variant Classification Sherloc (09022015). Collection method: clinical testing. Allele origin: germline.
Comment: In summary, the available evidence is currently insufficient to determine the role of this variant in disease. Therefore, it has been classified as a Variant of Uncertain Significance. Algorithms developed to predict the effect of missense changes on protein structure and function are either unavailable or do not agree on the potential impact of this missense change (SIFT: "Deleterious"; PolyPhen-2: "Possibly Damaging"; Align-GVGD: "Class C15"). This variant has not been reported in the literature in individuals affected with SYNE1-related conditions. This variant is present in population databases (no rsID available, gnomAD 0.006%). This sequence change replaces phenylalanine, which is neutral and non-polar, with isoleucine, which is neutral and non-polar, at codon 2979 of the SYNE1 protein (p.Phe2979Ile).